The following is an entry in ClinVar:

NM_001458.5(FLNC):c.4040G>T (p.Gly1347Val)

Gene: FLNC (filamin C; plus strand). Cytogenetic location: 7q32.1.
Variant type: single nucleotide variant.
Coding change: c.4040G>T on transcript NM_001458.5 (MANE Select); coding-DNA position 4040, G replaced by T.
Protein change: p.Gly1347Val; replaces glycine 1347 with valine.
Molecular consequence: missense variant.
Genome position (GRCh38, 1-based): chr7:128,846,376, G>T. VCF-style: chr7-128846376-G-T. GRCh37 (hg19) VCF-style: chr7-128486430-G-T.
Other names: c.4040G>T, p.Gly1347Val (NM_001127487.2); short protein forms G1347V.
Identifiers: ClinVar variation 3379372 (VCV003379372.2).
Genomic context (GRCh38, chr7:128,846,376, plus strand): 5'-AGGTCCTGTATGATGAGGTCGCTGTGCCCAAGAGCCCCTTCCGAGTGGGCGTGACCGAGG[G>T]CTGTGATCCCACCCGCGTCCGAGCCTTCGGGCCAGGCCTGGAGGGTGGCTTGGTCAACAA-3'
Protein context (NP_001449.3, residues 1337-1357): KSPFRVGVTE[Gly1347Val]CDPTRVRAFG

ClinVar aggregate classification (germline): Uncertain significance (1 of 4 stars; one submission).

Conditions:
Hypertrophic cardiomyopathy 26. Also called: Cardiomyopathy, familial hypertrophic, 26. Identifiers: Orphanet 75249, MedGen C4310749, MONDO:0014883, OMIM 617047.

gnomAD v4.1: 2 of 1,612,652 alleles (0.00012%); highest among the groups gnomAD compares: Non-Finnish European, 0.000085%; no homozygotes.

Submission:

Juno Genomics, Hangzhou Juno Genomics, Inc
Classification: Uncertain significance for Hypertrophic cardiomyopathy 26. Review status: criteria provided, single submitter. Criteria: ACMG Guidelines, 2015. Collection method: clinical testing. Allele origin: germline. Affected: yes.
Comment: Absent from controls (or at extremely low frequency if recessive) in Genome Aggregation Database, Exome Sequencing Project, 1000 Genomes Project, or Exome Aggregation Consortium.;Multiple lines of computational evidence support a deleterious effect on the gene or gene product (conservation, evolutionary, splicing impact, etc).